The following is an entry in ClinVar:

ClinVar aggregate classification (germline): Uncertain significance. Review status: criteria provided, multiple submitters, no conflicts (2 of 4 stars). 2 submissions from 2 submitters: Uncertain significance (2). Last evaluated 2024-10-06.

Conditions:
Inborn genetic diseases. Identifiers: MedGen C0950123, MeSH D030342.

Allele frequency attached by ClinVar (database versions not stated): gnomAD 0.00001; gnomAD exomes 0.00001.
gnomAD v4.1: 6 of 1,614,250 alleles (0.00037%); highest among the groups gnomAD compares: East Asian, 0.0022%; no homozygotes.

Submissions (2):

Ambry Genetics
Classification: Uncertain significance for Inborn genetic diseases. Last evaluated: 2024-10-06. Review status: criteria provided, single submitter. Criteria: Ambry Variant Classification Scheme 2023. Collection method: clinical testing. Allele origin: germline.

Labcorp Genetics (formerly Invitae), Labcorp
Classification: Uncertain significance. Last evaluated: 2022-01-26. Review status: criteria provided, single submitter. Criteria: Invitae Variant Classification Sherloc (09022015). Collection method: clinical testing. Allele origin: germline.
Comment: This variant is present in population databases (no rsID available, gnomAD 0.0009%). This sequence change replaces phenylalanine, which is neutral and non-polar, with serine, which is neutral and polar, at codon 569 of the TRPV3 protein (p.Phe569Ser). This variant has not been reported in the literature in individuals affected with TRPV3-related conditions. In summary, the available evidence is currently insufficient to determine the role of this variant in disease. Therefore, it has been classified as a Variant of Uncertain Significance. Algorithms developed to predict the effect of missense changes on protein structure and function are either unavailable or do not agree on the potential impact of this missense change (SIFT: "Tolerated"; PolyPhen-2: "Probably Damaging"; Align-GVGD: "Class C15").

NM_145068.4(TRPV3):c.1706T>C (p.Phe569Ser)

Gene: TRPV3 (transient receptor potential cation channel subfamily V member 3; minus strand). Cytogenetic location: 17p13.2.
Variant type: single nucleotide variant.
Coding change: c.1706T>C on transcript NM_145068.4 (MANE Select); coding-DNA position 1706, T replaced by C.
Protein change: p.Phe569Ser; replaces phenylalanine 569 with serine.
Molecular consequence: missense variant.
Genome position (GRCh38, 1-based): chr17:3,524,235, A>G on the plus strand (T>C on the coding strand, the complement: TRPV3 is on the minus strand). VCF-style: chr17-3524235-A-G. GRCh37 (hg19) VCF-style: chr17-3427529-A-G.
Other names: c.1706T>C, p.Phe569Ser (NM_001258205.2); c.1706T>C (NM_145068.2); short protein forms F569S.
Identifiers: ClinVar variation 1957032 (VCV001957032.6), dbSNP rs1034133548, ClinGen allele CA287000144.